The following is an entry in ClinVar:

ClinVar aggregate classification (germline): Uncertain significance. Review status: criteria provided, multiple submitters, no conflicts (2 of 4 stars). 5 submissions from 5 submitters: Uncertain significance (5). Last evaluated 2026-02-18.

Conditions:
ALPK3-related disorder. Also called: ALPK3-related condition.
Cardiovascular phenotype. Identifiers: MedGen CN230736.

Allele frequency attached by ClinVar (database versions not stated): ExAC 0.00002; gnomAD 0.00007; ESP Exome Variant Server 0.00023.
gnomAD v4.1: 19 of 1,613,476 alleles (0.0012%); highest among the groups gnomAD compares: African/African-American, 0.023%; no homozygotes.

Submissions (5):

PreventionGenetics, part of Exact Sciences
Classification: Uncertain significance for ALPK3-related condition. Last evaluated: 2026-02-18. Review status: criteria provided, single submitter. Criteria: ACMG Guidelines, 2015. Collection method: clinical testing. Allele origin: germline.
Comment: The ALPK3 c.1502C>A variant is predicted to result in the amino acid substitution p.Ala501Asp. To our knowledge, this variant has not been reported in the literature. This variant is reported in 0.036% of alleles in individuals of African descent in gnomAD. At this time, the clinical significance of this variant is uncertain due to the absence of conclusive functional and genetic evidence.

Labcorp Genetics (formerly Invitae), Labcorp
Classification: Uncertain significance. Last evaluated: 2025-09-13. Review status: criteria provided, single submitter. Criteria: Invitae Variant Classification Sherloc (09022015). Collection method: clinical testing. Allele origin: germline.
Comment: This sequence change replaces alanine, which is neutral and non-polar, with aspartic acid, which is acidic and polar, at codon 501 of the ALPK3 protein (p.Ala501Asp). This variant is present in population databases (rs144518681, gnomAD 0.04%). This variant has not been reported in the literature in individuals affected with ALPK3-related conditions. ClinVar contains an entry for this variant (Variation ID: 1774036). Invitae Evidence Modeling of protein sequence and biophysical properties (such as structural, functional, and spatial information, amino acid conservation, physicochemical variation, residue mobility, and thermodynamic stability) indicates that this missense variant is expected to disrupt ALPK3 protein function with a positive predictive value of 80%. In summary, the available evidence is currently insufficient to determine the role of this variant in disease. Therefore, it has been classified as a Variant of Uncertain Significance.

Mayo Clinic Laboratories, Mayo Clinic
Classification: Uncertain significance. Last evaluated: 2025-07-16. Review status: criteria provided, single submitter. Criteria: ACMG Guidelines, 2015. Collection method: clinical testing. Allele origin: germline. Observed: 1 variant allele.
Comment: BP4_moderate

Ambry Genetics
Classification: Uncertain significance for Cardiovascular phenotype. Last evaluated: 2024-12-20. Review status: criteria provided, single submitter. Criteria: Ambry Variant Classification Scheme 2023. Collection method: clinical testing. Allele origin: germline.
Comment: The p.A501D variant (also known as c.1502C>A), located in coding exon 5 of the ALPK3 gene, results from a C to A substitution at nucleotide position 1502. The alanine at codon 501 is replaced by aspartic acid, an amino acid with dissimilar properties. This amino acid position is not well conserved in available vertebrate species. In addition, this alteration is predicted to be tolerated by in silico analysis. Since supporting evidence is limited at this time, the clinical significance of this alteration remains unclear.

GeneDx
Classification: Uncertain significance. Last evaluated: 2024-07-31. Review status: criteria provided, single submitter. Criteria: GeneDx Variant Classification Process June 2021. Collection method: clinical testing. Allele origin: germline. Affected: yes.
Comment: Has not been previously published as pathogenic or benign to our knowledge; In silico analysis indicates that this missense variant does not alter protein structure/function

NM_020778.5(ALPK3):c.896C>A (p.Ala299Asp)

Gene: ALPK3 (alpha kinase 3; plus strand). Cytogenetic location: 15q25.3.
Variant type: single nucleotide variant.
Coding change: c.896C>A on transcript NM_020778.5 (MANE Select); coding-DNA position 896, C replaced by A.
Protein change: p.Ala299Asp; replaces alanine 299 with aspartic acid.
Molecular consequence: missense variant.
Genome position (GRCh38, 1-based): chr15:84,840,175, C>A. VCF-style: chr15-84840175-C-A. GRCh37 (hg19) VCF-style: chr15-85383406-C-A.
Other names: p.Ala501Asp; short protein forms A299D.
Identifiers: ClinVar variation 1774036 (VCV001774036.11), dbSNP rs144518681, ClinGen allele CA7709092.